The following is an entry in ClinVar:

ClinVar aggregate classification (germline): Pathogenic (1 of 4 stars; one submission).

Submission:

Athena Diagnostics
Classification: Pathogenic. Last evaluated: 2025-02-26. Review status: criteria provided, single submitter. Criteria: Athena Diagnostics Criteria. Collection method: clinical testing. Allele origin: unknown.
Comment: This variant is expected to result in the loss of a functional protein. This variant has been identified in at least one individual with clinical features associated with this gene. This variant has not been reported in large, multi-ethnic general populations.

NM_000161.3(GCH1):c.51del (p.Arg17fs)

Genes: GCH1 (GTP cyclohydrolase 1; minus strand), LOC130055692 (ATAC-STARR-seq lymphoblastoid silent region 5776; plus strand). Cytogenetic location: 14q22.2.
Variant type: Deletion.
Coding change: c.51del on transcript NM_000161.3 (MANE Select); coding-DNA position 51, one base deleted (G; older notation c.51delG).
Protein change: p.Arg17fs; shifts the reading frame from arginine 17.
Molecular consequence: frameshift variant.
Genome position (GRCh38, 1-based): chr14:54,902,613, C deleted on the plus strand (G on the coding strand, the reverse complement: GCH1 is on the minus strand); the first of 2 consecutive C bases (chr14:54,902,613-54,902,614); deleting either gives the same sequence. VCF-style (leftmost placement, unchanged base first): chr14-54902612-AC-A. GRCh37 (hg19) VCF-style: chr14-55369330-AC-A.
Other names: c.51del, p.Arg17fs (NM_001024024.2, NM_001024070.2, NM_001024071.2 and 1 more transcripts); short protein forms R17fs.
Identifiers: ClinVar variation 4682466 (VCV004682466.1).